The following is an entry in ClinVar:

NM_000492.4(CFTR):c.3353C>T (p.Ser1118Phe)

Genes: CFTR-AS2 (CFTR antisense RNA 2; minus strand), CFTR (CF transmembrane conductance regulator; plus strand), LOC111674472 (DNase I hypersensitive sites in introns 16 and 17a of CFTR; plus strand). Cytogenetic location: 7q31.2.
Variant type: single nucleotide variant.
Coding change: c.3353C>T on transcript NM_000492.4 (MANE Select); coding-DNA position 3353, C replaced by T.
Protein change: p.Ser1118Phe; replaces serine 1118 with phenylalanine.
Molecular consequence: missense variant.
Genome position (GRCh38, 1-based): chr7:117,611,794, C>T. VCF-style: chr7-117611794-C-T. GRCh37 (hg19) VCF-style: chr7-117251848-C-T.
Other names: short protein forms S1118F.
Identifiers: ClinVar variation 53722 (VCV000053722.23), dbSNP rs146521846, ClinGen allele CA327152.

ClinVar aggregate classification (germline): Pathogenic. Review status: reviewed by expert panel (3 of 4 stars). 14 submissions from 14 submitters: Pathogenic (1). 13 of the submissions do not count toward it. Last evaluated 2017-12-08.

Conditions:
CFTR-related disorder (CFTR-RD). Also called: CFTR-related condition; CFTR-related disorders. Identifiers: MedGen C5924204, MONDO:7770004.
Cystic fibrosis (CF). Also called: MUCOVISCIDOSIS. Identifiers: Orphanet 586, MedGen C0010674, MONDO:0009061, OMIM 219700. Disease mechanism: loss of function.
Hereditary pancreatitis (PCTT). Also called: PRSS1-Related Hereditary Pancreatitis; Hereditary chronic pancreatitis. Identifiers: Orphanet 676, MedGen C0238339, MONDO:0008185, OMIM 167800.
Congenital bilateral aplasia of vas deferens from CFTR mutation (CBAVD). Identifiers: Orphanet 48, MedGen C0403814, MONDO:0010178, OMIM 277180. Disease mechanism: loss of function.
Bronchiectasis with or without elevated sweat chloride 1 (BESC1). Also called: Cystic Fibrosis-Like Syndrome. Identifiers: Orphanet 60033, MedGen C2749757, MONDO:0008887, OMIM 211400.

Allele frequency attached by ClinVar (database versions not stated): TOPMed 0.00001; ESP Exome Variant Server 0.00008.
gnomAD v4.1: 34 of 1,610,154 alleles (0.0021%); highest among the groups gnomAD compares: South Asian, 0.0088%; no homozygotes.

Submissions (14):

CFTR2
Classification: Pathogenic for Cystic fibrosis. Last evaluated: 2017-12-08. Review status: reviewed by expert panel. Criteria: Sosnay PR et al. (Nat Genet 2013). Collection method: research. Allele origin: germline. Affected: yes.

Natera, Inc.
Classification: Likely pathogenic for CFTR-related disorders. Last evaluated: 2025-11-23. Review status: criteria provided, single submitter. Criteria: Natera Variant Classification Schema (03/2026). Collection method: clinical testing. Allele origin: germline. Not counted in ClinVar's aggregate classification.
Comment: The c.3353C>T variant in CFTR is a missense variant predicted to cause substitution of serine to phenylalanine at amino acid 1118. This variant is rare in the general population with a frequency below the threshold expected for the associated phenotype(s). This variant has been observed in one or more individuals affected with the associated recessive disease, as either homozygous or compound heterozygous with a second variant (PMID: 34782259, 30888834, 19774621). Functional studies show that this variant may disrupt protein function (PMID: 19774621, 38388235). Computational prediction algorithms indicate this variant is likely to affect gene or protein function. Given the available evidence, this variant is classified as Likely Pathogenic.

Revvity Omics, Revvity
Classification: Likely pathogenic. Last evaluated: 2025-02-19. Review status: criteria provided, single submitter. Criteria: ACMG Guidelines, 2015. Collection method: clinical testing. Allele origin: germline. Not counted in ClinVar's aggregate classification.

Labcorp Genetics (formerly Invitae), Labcorp
Classification: Likely pathogenic for Cystic fibrosis. Last evaluated: 2024-12-04. Review status: criteria provided, single submitter. Criteria: Invitae Variant Classification Sherloc (09022015). Collection method: clinical testing. Allele origin: germline. Not counted in ClinVar's aggregate classification.
Comment: This sequence change replaces serine, which is neutral and polar, with phenylalanine, which is neutral and non-polar, at codon 1118 of the CFTR protein (p.Ser1118Phe). This variant is present in population databases (rs146521846, gnomAD 0.003%). This missense change has been observed in individual(s) with clinical features of CFTR-related conditions (PMID: 19774621, 23276700, 34782259). In at least one individual the data is consistent with being in trans (on the opposite chromosome) from a pathogenic variant. ClinVar contains an entry for this variant (Variation ID: 53722). Invitae Evidence Modeling of protein sequence and biophysical properties (such as structural, functional, and spatial information, amino acid conservation, physicochemical variation, residue mobility, and thermodynamic stability) indicates that this missense variant is expected to disrupt CFTR protein function with a positive predictive value of 80%. Experimental studies have shown that this missense change affects CFTR function (PMID: 10866956, 19774621, 29805046, 30046002). In summary, the currently available evidence indicates that the variant is pathogenic, but additional data are needed to prove that conclusively. Therefore, this variant has been classified as Likely Pathogenic.

Fulgent Genetics
Classification: Pathogenic for Hereditary pancreatitis; Bronchiectasis with or without elevated sweat chloride 1; Cystic fibrosis; Congenital bilateral aplasia of vas deferens from CFTR mutation. Last evaluated: 2024-06-24. Review status: criteria provided, single submitter. Criteria: ACMG Guidelines, 2015. Collection method: clinical testing. Allele origin: germline. Not counted in ClinVar's aggregate classification.

Baylor Genetics
Classification: Pathogenic for Bronchiectasis with or without elevated sweat chloride 1. Last evaluated: 2024-01-30. Review status: criteria provided, single submitter. Criteria: ACMG Guidelines, 2015. Collection method: clinical testing. Allele origin: unknown. Not counted in ClinVar's aggregate classification.

Blueprint Genetics
Classification: Pathogenic for CFTR-related disorders. Last evaluated: 2022-11-03. Review status: criteria provided, single submitter. Criteria: ACMG Guidelines, 2015. Collection method: clinical testing. Allele origin: germline. Affected: yes. Observed: 1 variant allele. Not counted in ClinVar's aggregate classification.

Women's Health and Genetics/Laboratory Corporation of America, LabCorp
Classification: Pathogenic for Cystic fibrosis. Last evaluated: 2022-10-26. Review status: criteria provided, single submitter. Criteria: LabCorp Variant Classification Summary - May 2015. Collection method: clinical testing. Allele origin: germline. Not counted in ClinVar's aggregate classification.
Comment: Variant summary: CFTR c.3353C>T (p.Ser1118Phe) results in a non-conservative amino acid change located in the ABC transporter type 1, transmembrane domain (IPR011527) of the encoded protein sequence. Five of five in-silico tools predict a damaging effect of the variant on protein function. The variant allele was found at a frequency of 1.2e-05 in 250416 control chromosomes. c.3353C>T has been reported in the literature as a biallelic compound heterozygous genotype in multiple individuals affected with Cystic Fibrosis (example, McCague_2019, Penmatsa_2009). These data indicate that the variant is very likely to be associated with disease. At least two publications report experimental evidence evaluating an impact on protein function (example, Han_2018, Penmatsa_2009). The most pronounced variant effect results in <10% of normal CFTR residual function (Han_2018) and impaired maturation (Penmatsa_2009). One clinical diagnostic laboratory, an expert panel (CFTR-2) and a database (CFTR-France) have submitted clinical-significance assessments for this variant to ClinVar after 2014 without evidence for independent evaluation. All submitters classified the variant as pathogenic/likely pathogenic. Based on the evidence outlined above, the variant was classified as pathogenic.

Ambry Genetics
Classification: Pathogenic for Cystic fibrosis. Last evaluated: 2021-05-22. Review status: criteria provided, single submitter. Criteria: Ambry Variant Classification Scheme 2023. Collection method: clinical testing. Allele origin: germline. Not counted in ClinVar's aggregate classification.
Comment: The p.S1118F pathogenic mutation (also known as c.3353C>T and c.3485C>T), located in coding exon 20 of the CFTR gene, results from a C to T substitution at nucleotide position 3353. The serine at codon 1118 is replaced by phenylalanine, an amino acid with highly dissimilar properties. The mutation was described in trans with p.F508del in a newborn who presented with meconium ileus, pancreatic sufficiency and indeterminate sweat chloride levels (Penmatsa et al. Pediatr. Pulmonol. 2009;44(10):1003-9), and has been detected in trans with a pathogenic mutation in CFTR by our laboratory (Ambry internal data). Several in vitro studies have suggested this mutation, which is located in transmembrane 11 domain, decreases the chloride channel voltage, gating, permeability and efficiency, and results in reduced function compared to wild type (Zhang et al. Biophys. J. 2000;79(1):298-313; Penmatsa et al Pediatr. Pulmonol. 2009;44(10):1003-9; Raraigh KS et al. Am J Hum Genet. 2018 06;102(6):1062-1077). Based on the supporting evidence, this alteration is interpreted as a disease-causing mutation.

CFTR-France
Classification: Pathogenic for cystic fibrosis; CFTR-related disorders. Last evaluated: 2019-07-17. Review status: criteria provided, single submitter. Criteria: Claustres M et al. (Hum Mutat 2017). Collection method: curation. Allele origin: germline. Affected: yes. Not counted in ClinVar's aggregate classification.
Comment: the variant causes a phenotype but regarding our data, we can't formally attribute it to CF, CFTR-RD or both

Kasturba Medical College, Manipal, Kasturba Medical College, Manipal, Manipal Academy of Higher Education, Manipal, India
Classification: Pathogenic for Cystic fibrosis. Review status: criteria provided, single submitter. Criteria: ACMG Guidelines, 2015. Collection method: clinical testing. Allele origin: inherited. Affected: yes. Not counted in ClinVar's aggregate classification.

Lifecell International Pvt. Ltd
Classification: Pathogenic for Cystic fibrosis. Review status: criteria provided, single submitter. Criteria: ACMG Guidelines, 2015. Collection method: clinical testing. Allele origin: germline. Inheritance: Autosomal recessive inheritance. Affected: yes. Observed: 1 homozygote. Not counted in ClinVar's aggregate classification.
Comment: A Homozygote Missense variant c.3353C>T in Exon 20 of the CFTR gene that results in the amino acid substitution p.Ser1118Phe was identified. The observed variant has a minor allele frequency of 0.00001/% in gnomAD exomes and genomes, respectively. The severity of the impact of this variant on the protein is high, based on the effect of the protein and REVEL score . Rare Exome Variant Ensemble Learner (REVEL) is an ensembl method for predicting the pathogenicity of missense variants based on a combination of scores from 13 individual tools: MutPred, FATHMM v2.3, VEST 3.0, PolyPhen-2, SIFT, PROVEAN, MutationAssessor, MutationTaster, LRT, GERP++, SiPhy, phyloP, and phastCons. The REVEL score for an individual missense variant can range from 0 to 1, with higher scores reflecting greater likelihood that the variant is disease-causing. ClinVar has also classified this variant as Pathogenic (variant ID 53722). In vitro studies have suggested this mutation, which is located in transmembrane 11 domain, decreases the chloride channel voltage, gating, permeability and efficiency, and results in reduced function compared to wild type (Planells-Cases R et al., 2000). This variant has been observed in many individuals affected with cystic fibrosis reported by (McCague AF, et al., 2019).Based on the above evidence this variant has been classified as Pathogenic according to the ACMG guidelines.

PreventionGenetics, part of Exact Sciences
Classification: Likely pathogenic for CFTR-related condition. Last evaluated: 2024-09-13. Review status: no assertion criteria provided. Collection method: clinical testing. Allele origin: germline. Not counted in ClinVar's aggregate classification.
Comment: The CFTR c.3353C>T variant is predicted to result in the amino acid substitution p.Ser1118Phe. This variant has been reported in the compound heterozygous state (with the p.Phe508del variant) in an individual with atypical cystic fibrosis symptoms with intermediate sweat chloride level (Penmatsa et al. 2009. PubMed ID: 19774621). This variant has also been reported in the compound heterozygous state (with the p.Cys343* variant) in an individual with cystic fibrosis presenting pseudo-Bartter's syndrome (Nayak et al. 2018. doi: 10.7199/ped.oncall.2018.47). Functional studies show the p.Ser1118Phe substitution impacts normal protein function (Zhang et al. 2000. PubMed ID: 10866956; Penmatsa et al. 2009. PubMed ID: 19774621; Raraigh et al. 2018. PubMed ID: 29805046). This variant is reported in 0.0033% of alleles in individuals of South Asian descent in gnomAD and is interpreted as pathogenic or likely pathogenic in ClinVar. This variant is interpreted as likely pathogenic.

ClinVar Staff, National Center for Biotechnology Information (NCBI)
No classification provided. Condition: CFTR-related disorders. Review status: no classification provided. Collection method: literature only. Allele origin: germline. Affected: yes. Not counted in ClinVar's aggregate classification.

Literature cited by the submitters: PubMed 34782259 (cited by Natera, Inc. and Labcorp Genetics (formerly Invitae), Labcorp); PubMed 30888834 (cited by 3 submitters); PubMed 19774621 (cited by 4 submitters); PubMed 38388235 (cited by Natera, Inc.); PubMed 23276700 (cited by Labcorp Genetics (formerly Invitae), Labcorp); PubMed 10866956 (cited by Labcorp Genetics (formerly Invitae), Labcorp); PubMed 29805046 (cited by Labcorp Genetics (formerly Invitae), Labcorp and Ambry Genetics); PubMed 30046002 (cited by 3 submitters); PubMed 10827969 (cited by Lifecell International Pvt. Ltd).